The following is an entry in ClinVar:

NM_007346.4(OGFR):c.1638A>G (p.Pro546=)

Gene: OGFR (opioid growth factor receptor; plus strand). Cytogenetic location: 20q13.33.
Variant type: single nucleotide variant.
Coding change: c.1638A>G on transcript NM_007346.4 (MANE Select); coding-DNA position 1638, A replaced by G.
Protein change: p.Pro546=; no amino-acid change (proline 546 retained).
Molecular consequence: synonymous variant.
Genome position (GRCh38, 1-based): chr20:62,813,253, A>G. VCF-style: chr20-62813253-A-G. GRCh37 (hg19) VCF-style: chr20-61444605-A-G.
Identifiers: ClinVar variation 2652500 (VCV002652500.24), dbSNP rs3210217, ClinGen allele CA317314507.

ClinVar aggregate classification (germline): Likely benign (1 of 4 stars; one submission).

Submission:

CeGaT Center for Human Genetics Tuebingen
Classification: Likely benign. Last evaluated: 2026-06-01. Review status: criteria provided, single submitter. Criteria: CeGaT Center For Human Genetics Tuebingen Variant Classification Criteria Version 2. Collection method: clinical testing. Allele origin: germline. Affected: yes. Observed: 2 variant alleles.
Comment: OGFR: BP4, BP7